The following is an entry in ClinVar:

NM_148897.3(SDR9C7):c.874_875dup (p.Leu293fs)

Gene: SDR9C7 (short chain dehydrogenase/reductase family 9C member 7; minus strand). Cytogenetic location: 12q13.3.
Variant type: Duplication.
Coding change: c.874_875dup on transcript NM_148897.3 (MANE Select); coding-DNA positions 874 to 875, 2 bases duplicated (AA; older notation c.874_875dupAA).
Protein change: p.Leu293fs; shifts the reading frame from leucine 293.
Molecular consequence: frameshift variant.
Genome position (GRCh38, 1-based): chr12:56,923,900-56,923,901, TT duplicated on the plus strand (AA on the coding strand, the reverse complement: SDR9C7 is on the minus strand). VCF-style (leftmost placement, unchanged base first): chr12-56923899-C-CTT. GRCh37 (hg19) VCF-style: chr12-57317683-C-CTT.
Other names: short protein forms L293fs.
Identifiers: ClinVar variation 1382665 (VCV001382665.6), dbSNP rs2136365517, ClinGen allele CA2573149077.

ClinVar aggregate classification (germline): Uncertain significance (1 of 4 stars; one submission).

Submission:

Labcorp Genetics (formerly Invitae), Labcorp
Classification: Uncertain significance. Last evaluated: 2026-01-05. Review status: criteria provided, single submitter. Criteria: Invitae Variant Classification Sherloc (09022015). Collection method: clinical testing. Allele origin: germline.
Comment: This sequence change creates a premature translational stop signal (p.Leu293Serfs*6) in the SDR9C7 gene. While this is not anticipated to result in nonsense mediated decay, it is expected to disrupt the last 21 amino acid(s) of the SDR9C7 protein. This variant is not present in population databases (gnomAD no frequency). This variant has not been reported in the literature in individuals affected with SDR9C7-related conditions. ClinVar contains an entry for this variant (Variation ID: 1382665). Experimental studies and prediction algorithms are not available or were not evaluated, and the functional significance of this variant is currently unknown. This variant disrupts the C-terminus of the SDR9C7 protein. Other variant(s) that disrupt this region (p.Phe300Serfs*3) have been observed in individuals with SDR9C7-related conditions (PMID: 28112794). This suggests that this may be a clinically significant region of the protein. In summary, the available evidence is currently insufficient to determine the role of this variant in disease. Therefore, it has been classified as a Variant of Uncertain Significance.

Literature cited by the submitters: PubMed 28112794.